The following is an entry in ClinVar:

ClinVar aggregate classification (germline): Uncertain significance (1 of 4 stars; one submission).

Submission:

Labcorp Genetics (formerly Invitae), Labcorp
Classification: Uncertain significance. Last evaluated: 2022-07-04. Review status: criteria provided, single submitter. Criteria: Invitae Variant Classification Sherloc (09022015). Collection method: clinical testing. Allele origin: germline.
Comment: In summary, the available evidence is currently insufficient to determine the role of this variant in disease. Therefore, it has been classified as a Variant of Uncertain Significance. Algorithms developed to predict the effect of missense changes on protein structure and function are either unavailable or do not agree on the potential impact of this missense change (SIFT: "Tolerated"; PolyPhen-2: "Probably Damaging"; Align-GVGD: "Class C0"). This variant has not been reported in the literature in individuals affected with VPS13A-related conditions. This variant is not present in population databases (gnomAD no frequency). This sequence change replaces glutamine, which is neutral and polar, with lysine, which is basic and polar, at codon 2893 of the VPS13A protein (p.Gln2893Lys).

NM_033305.3(VPS13A):c.8677C>A (p.Gln2893Lys)

Gene: VPS13A (vacuolar protein sorting 13 homolog A; plus strand). Cytogenetic location: 9q21.2.
Variant type: single nucleotide variant.
Coding change: c.8677C>A on transcript NM_033305.3 (MANE Select); coding-DNA position 8677, C replaced by A.
Protein change: p.Gln2893Lys; replaces glutamine 2893 with lysine.
Molecular consequence: missense variant.
Genome position (GRCh38, 1-based): chr9:77,370,266, C>A. VCF-style: chr9-77370266-C-A. GRCh37 (hg19) VCF-style: chr9-79985182-C-A.
Other names: c.8560C>A, p.Gln2854Lys (NM_001018037.2); c.8677C>A, p.Gln2893Lys (NM_001018038.3, NM_015186.4); short protein forms Q2893K, Q2854K.
Identifiers: ClinVar variation 2179797 (VCV002179797.4), dbSNP rs2538202606, ClinGen allele CA373866969.